The following is an entry in ClinVar:

ClinVar aggregate classification (germline): Likely benign. Review status: criteria provided, multiple submitters, no conflicts (2 of 4 stars). 3 submissions from 3 submitters: Likely benign (3). Last evaluated 2026-01-27.

Allele frequency attached by ClinVar (database versions not stated): TOPMed 0.00001; gnomAD 0.00002.
gnomAD v4.1: 21 of 1,603,172 alleles (0.0013%); highest among the groups gnomAD compares: Non-Finnish European, 0.0017%; no homozygotes.

Submissions (3):

Labcorp Genetics (formerly Invitae), Labcorp
Classification: Likely benign. Last evaluated: 2026-01-27. Review status: criteria provided, single submitter. Criteria: Invitae Variant Classification Sherloc (09022015). Collection method: clinical testing. Allele origin: germline.

Blueprint Genetics
Classification: Likely benign. Last evaluated: 2024-04-19. Review status: criteria provided, single submitter. Criteria: ACMG Guidelines, 2015. Collection method: clinical testing. Allele origin: germline.

CeGaT Center for Human Genetics Tuebingen
Classification: Likely benign. Last evaluated: 2023-06-01. Review status: criteria provided, single submitter. Criteria: CeGaT Center For Human Genetics Tuebingen Variant Classification Criteria Version 2. Collection method: clinical testing. Allele origin: germline. Affected: yes. Observed: 2 variant alleles.
Comment: COL2A1: BP4, BP7

NM_001844.5(COL2A1):c.3642T>C (p.Pro1214=)

Gene: COL2A1 (collagen type II alpha 1 chain; minus strand). Cytogenetic location: 12q13.11.
Variant type: single nucleotide variant.
Coding change: c.3642T>C on transcript NM_001844.5 (MANE Select); coding-DNA position 3642, T replaced by C.
Protein change: p.Pro1214=; no amino-acid change (proline 1214 retained).
Molecular consequence: synonymous variant.
Genome position (GRCh38, 1-based): chr12:47,975,561, A>G on the plus strand (T>C on the coding strand, the complement: COL2A1 is on the minus strand). VCF-style: chr12-47975561-A-G. GRCh37 (hg19) VCF-style: chr12-48369344-A-G.
Other names: c.3435T>C, p.Pro1145= (NM_033150.3).
Identifiers: ClinVar variation 1908692 (VCV001908692.30), dbSNP rs966259355, ClinGen allele CA236517357.